The following is an entry in ClinVar:

ClinVar aggregate classification (germline): Uncertain significance (1 of 4 stars; one submission).

Conditions:
Gastrointestinal stromal tumor. Also called: Gastrointestinal stroma tumor; Gastrointestinal stromal tumor, somatic. Identifiers: Orphanet 44890, MedGen C0238198, MeSH D046152, MONDO:0011719, OMIM 606764, HP:0100723.

Submission:

Labcorp Genetics (formerly Invitae), Labcorp
Classification: Uncertain significance for Gastrointestinal stromal tumor. Last evaluated: 2025-03-15. Review status: criteria provided, single submitter. Criteria: Invitae Variant Classification Sherloc (09022015). Collection method: clinical testing. Allele origin: germline.
Comment: This sequence change replaces threonine, which is neutral and polar, with alanine, which is neutral and non-polar, at codon 321 of the KIT protein (p.Thr321Ala). This variant is not present in population databases (gnomAD no frequency). This variant has not been reported in the literature in individuals affected with KIT-related conditions. ClinVar contains an entry for this variant (Variation ID: 1476029). An algorithm developed to predict the effect of missense changes on protein structure and function (PolyPhen-2) suggests that this variant is likely to be tolerated. In summary, the available evidence is currently insufficient to determine the role of this variant in disease. Therefore, it has been classified as a Variant of Uncertain Significance.

NM_000222.3(KIT):c.961A>G (p.Thr321Ala)

Gene: KIT (KIT proto-oncogene, receptor tyrosine kinase; plus strand). Cytogenetic location: 4q12.
Variant type: single nucleotide variant.
Coding change: c.961A>G on transcript NM_000222.3 (MANE Select); coding-DNA position 961, A replaced by G.
Protein change: p.Thr321Ala; replaces threonine 321 with alanine.
Molecular consequence: missense variant.
Genome position (GRCh38, 1-based): chr4:54,707,133, A>G. VCF-style: chr4-54707133-A-G. GRCh37 (hg19) VCF-style: chr4-55573299-A-G.
Other names: c.961A>G, p.Thr321Ala (NM_001093772.2, NM_001385285.1, NM_001385286.1); c.964A>G, p.Thr322Ala (NM_001385284.1, NM_001385288.1, NM_001385290.1 and 1 more transcripts); short protein forms T321A, T322A.
Identifiers: ClinVar variation 1476029 (VCV001476029.6), dbSNP rs2109705084, ClinGen allele CA356900811.